The following is an entry in ClinVar:

NM_130839.5(UBE3A):c.1219C>T (p.Gln407Ter)

Genes: SNHG14 (small nucleolar RNA host gene 14; plus strand), UBE3A (ubiquitin protein ligase E3A; minus strand). Cytogenetic location: 15q11.2.
Variant type: single nucleotide variant.
Coding change: c.1219C>T on transcript NM_130839.5 (MANE Select); coding-DNA position 1219, C replaced by T.
Protein change: p.Gln407Ter; replaces glutamine 407 with a stop codon.
Molecular consequence: nonsense. On other transcripts: non-coding transcript variant (1), intron variant (2).
Genome position (GRCh38, 1-based): chr15:25,370,955, G>A on the plus strand (C>T on the coding strand, the complement: UBE3A is on the minus strand). VCF-style: chr15-25370955-G-A. GRCh37 (hg19) VCF-style: chr15-25616102-G-A.
Other names: c.1159C>T, p.Gln387Ter (NM_001354543.2, NM_001354544.2, NM_001354547.2 and 17 more transcripts); c.1219C>T, p.Gln407Ter (NM_001354545.2, NM_001354505.1, NM_001354538.2); c.1042C>T, p.Gln348Ter (NM_001354546.2); c.301+4510C>T (NM_001354551.2); c.361+4510C>T (NM_001354550.2); c.1228C>T, p.Gln410Ter (NM_000462.5); short protein forms Q348*, Q387*, Q407*, Q410*.
Identifiers: ClinVar variation 2662820 (VCV002662820.1), dbSNP rs779846117, ClinGen allele CA391354097.

ClinVar aggregate classification (germline): Pathogenic (1 of 4 stars; one submission).

Submission:

GeneDx
Classification: Pathogenic. Last evaluated: 2023-11-04. Review status: criteria provided, single submitter. Criteria: GeneDx Variant Classification Process June 2021. Collection method: clinical testing. Allele origin: germline. Affected: yes.
Comment: Nonsense variant predicted to result in protein truncation or nonsense mediated decay in a gene for which loss-of-function is a known mechanism of disease; Not observed in large population cohorts (gnomAD); Has not been previously published as pathogenic or benign to our knowledge